The following is an entry in ClinVar:

ClinVar aggregate classification (germline): Conflicting classifications of pathogenicity. Review status: criteria provided, conflicting classifications (1 of 4 stars). 9 submissions from 9 submitters: Uncertain significance (2); Benign (1); Likely benign (5). 1 of the submissions does not count toward it. Last evaluated 2026-01-19.

Conditions:
TSC2-related disorder. Also called: TSC2-Related Disorders; TSC2-related condition.
Tuberous sclerosis syndrome (TSC). Also called: Tuberous Sclerosis Complex; Tuberous sclerosis. Identifiers: Orphanet 805, MedGen C0041341, MONDO:0001734.
Tuberous sclerosis 2 (TSC2). Identifiers: Orphanet 805, MedGen C1860707, MONDO:0013199, OMIM 613254.
Hereditary cancer-predisposing syndrome. Also called: Hereditary neoplastic syndrome; Neoplastic Syndromes, Hereditary; Tumor predisposition; Hereditary Cancer Syndrome. Identifiers: Orphanet 140162, MedGen C0027672, MeSH D009386, MONDO:0015356.

Allele frequency attached by ClinVar (database versions not stated): TOPMed 0.00001; gnomAD 0.00002.
gnomAD v4.1: 5 of 1,613,488 alleles (0.00031%); highest among the groups gnomAD compares: African/African-American, 0.004%; no homozygotes.

Submissions (9):

Women's Health and Genetics/Laboratory Corporation of America, LabCorp
Classification: Uncertain significance. Last evaluated: 2026-01-19. Review status: criteria provided, single submitter. Criteria: LabCorp Variant Classification Summary - May 2015. Collection method: clinical testing. Allele origin: germline.
Comment: Variant summary: TSC2 c.1842C>G (p.Ala614Ala) alters a conserved nucleotide located close to a canonical splice site and therefore could affect mRNA splicing, leading to a significantly altered protein sequence. Consensus agreement among computation tools predict no significant impact on normal splicing. However, these predictions have yet to be confirmed by functional studies. The variant was absent in 250250 control chromosomes. The available data on variant occurrences in the general population are insufficient to allow any conclusion about variant significance. To our knowledge, no occurrence of c.1842C>G in individuals affected with TSC2-related conditions and no experimental evidence demonstrating its impact on protein function have been reported. ClinVar contains an entry for this variant (Variation ID: 719947). Based on the evidence outlined above, the variant was classified as uncertain significance.

Labcorp Genetics (formerly Invitae), Labcorp
Classification: Likely benign for Tuberous sclerosis 2. Last evaluated: 2025-12-30. Review status: criteria provided, single submitter. Criteria: Invitae Variant Classification Sherloc (09022015). Collection method: clinical testing. Allele origin: germline.

Myriad Genetics, Inc.
Classification: Benign for Tuberous sclerosis 2. Last evaluated: 2025-05-16. Review status: criteria provided, single submitter. Criteria: Myriad Autosomal Dominant, Autosomal Recessive and X-Linked Classification Criteria (2023). Collection method: clinical testing. Allele origin: unknown.
Comment: This variant is considered benign. This variant is a silent/synonymous amino acid change and it is not expected to impact splicing.

All of Us Research Program, National Institutes of Health
Classification: Likely benign for Tuberous sclerosis syndrome. Last evaluated: 2024-08-13. Review status: criteria provided, single submitter. Criteria: ACMG Guidelines, 2015. Collection method: clinical testing. Allele origin: germline. Inheritance: Autosomal dominant inheritance. Observed: 3 variant alleles, 3 heterozygotes.
Comment: This study involves interpretation of variants in research participants for the purpose of population health screening. Participant phenotype was not available at the time of variant classification. Additional details can be found in publication PMID: 35346344, PMCID: PMC8962531

Ambry Genetics
Classification: Likely benign for Hereditary cancer-predisposing syndrome. Last evaluated: 2023-02-23. Review status: criteria provided, single submitter. Criteria: Ambry Variant Classification Scheme 2023. Collection method: clinical testing. Allele origin: germline.

Genome-Nilou Lab
Classification: Likely benign for Tuberous sclerosis 2. Last evaluated: 2021-11-07. Review status: criteria provided, single submitter. Criteria: ACMG Guidelines, 2015. Collection method: clinical testing. Allele origin: germline. Affected: no.

GeneDx
Classification: Likely benign. Last evaluated: 2020-12-30. Review status: criteria provided, single submitter. Criteria: GeneDx Variant Classification Process June 2021. Collection method: clinical testing. Allele origin: germline. Affected: yes.

Illumina Laboratory Services, Illumina
Classification: Uncertain significance for Tuberous sclerosis syndrome. Last evaluated: 2018-01-12. Review status: criteria provided, single submitter. Criteria: ICSL Variant Classification Criteria 13 December 2019. Collection method: clinical testing. Allele origin: germline.

PreventionGenetics, part of Exact Sciences
Classification: Likely benign for TSC2-related condition. Last evaluated: 2022-05-04. Review status: no assertion criteria provided. Collection method: clinical testing. Allele origin: germline. Not counted in ClinVar's aggregate classification.
Comment: This variant is classified as likely benign based on ACMG/AMP sequence variant interpretation guidelines (Richards et al. 2015 PMID: 25741868, with internal and published modifications).

NM_000548.5(TSC2):c.1842C>G (p.Ala614=)

Gene: TSC2 (TSC complex subunit 2; plus strand). Cytogenetic location: 16p13.3.
Variant type: single nucleotide variant.
Coding change: c.1842C>G on transcript NM_000548.5 (MANE Select); coding-DNA position 1842, C replaced by G.
Protein change: p.Ala614=; no amino-acid change (alanine 614 retained).
Molecular consequence: synonymous variant.
Genome position (GRCh38, 1-based): chr16:2,071,512, C>G. VCF-style: chr16-2071512-C-G. GRCh37 (hg19) VCF-style: chr16-2121513-C-G.
Other names: c.1842C>G (NM_000548.4); c.1842C>G, p.Ala614= (NM_001077183.3, NM_001114382.3, NM_001363528.2 and 3 more transcripts); c.1731C>G, p.Ala577= (NM_001318827.2); c.1695C>G, p.Ala565= (NM_001318829.2); c.1242C>G, p.Ala414= (NM_001318831.2); c.1875C>G, p.Ala625= (NM_001318832.2).
Identifiers: ClinVar variation 719947 (VCV000719947.25), dbSNP rs201575136, ClinGen allele CA492950239.